The following is an entry in ClinVar:

ClinVar aggregate classification (germline): Uncertain significance (1 of 4 stars; one submission).

Conditions:
GRN-related frontotemporal lobar degeneration with Tdp43 inclusions (FTD2). Also called: GRN Frontotemporal Dementia; FRONTOTEMPORAL DEMENTIA WITH TDP43 INCLUSIONS, GRN-RELATED; DEMENTIA, HEREDITARY DYSPHASIC DISINHIBITION; FRONTOTEMPORAL LOBAR DEGENERATION WITH UBIQUITIN-POSITIVE INCLUSIONS; FTLD-TDP, GRN-RELATED. Identifiers: Orphanet 100070, Orphanet 282, MedGen C1843792, MONDO:0011842, OMIM 607485. Disease mechanism: loss of function.
Neuronal ceroid lipofuscinosis 11. Also called: GRN-Related Neuronal Ceroid-Lipofuscinosis. Identifiers: Orphanet 314629, Orphanet 79262, MedGen C3539123, MONDO:0013866, OMIM 614706.

Allele frequency attached by ClinVar (database versions not stated): TOPMed below 0.00001; ExAC 0.00001; gnomAD 0.00001; gnomAD exomes 0.00001.
gnomAD v4.1: 10 of 1,613,166 alleles (0.00062%); highest among the groups gnomAD compares: African/African-American, 0.0013%; no homozygotes.

Submission:

Labcorp Genetics (formerly Invitae), Labcorp
Classification: Uncertain significance for Neuronal ceroid lipofuscinosis 11; GRN-related frontotemporal lobar degeneration with Tdp43 inclusions. Last evaluated: 2023-07-14. Review status: criteria provided, single submitter. Criteria: Invitae Variant Classification Sherloc (09022015). Collection method: clinical testing. Allele origin: germline.
Comment: In summary, the available evidence is currently insufficient to determine the role of this variant in disease. Therefore, it has been classified as a Variant of Uncertain Significance. Advanced modeling of protein sequence and biophysical properties (such as structural, functional, and spatial information, amino acid conservation, physicochemical variation, residue mobility, and thermodynamic stability) performed at Invitae indicates that this missense variant is expected to disrupt GRN protein function. This variant has not been reported in the literature in individuals affected with GRN-related conditions. This variant is present in population databases (rs778265623, gnomAD 0.0009%). This sequence change replaces cysteine, which is neutral and slightly polar, with arginine, which is basic and polar, at codon 475 of the GRN protein (p.Cys475Arg).

NM_002087.4(GRN):c.1423T>C (p.Cys475Arg)

Gene: GRN (granulin precursor; plus strand). Cytogenetic location: 17q21.31.
Variant type: single nucleotide variant.
Coding change: c.1423T>C on transcript NM_002087.4 (MANE Select); coding-DNA position 1423, T replaced by C.
Protein change: p.Cys475Arg; replaces cysteine 475 with arginine.
Molecular consequence: missense variant.
Genome position (GRCh38, 1-based): chr17:44,352,350, T>C. VCF-style: chr17-44352350-T-C. GRCh37 (hg19) VCF-style: chr17-42429718-T-C.
Other names: short protein forms C475R.
Identifiers: ClinVar variation 2924389 (VCV002924389.3), dbSNP rs778265623, ClinGen allele CA8602204.